The following is an entry in ClinVar:

ClinVar aggregate classification (germline): Uncertain significance (1 of 4 stars; one submission).

Conditions:
Nemaline myopathy 6 (NEM6). Also called: Nemaline myopathy 6, autosomal dominant. Identifiers: Orphanet 171439, MedGen C1836472, MONDO:0012237, OMIM 609273.

Submission:

Labcorp Genetics (formerly Invitae), Labcorp
Classification: Uncertain significance for Nemaline myopathy 6. Last evaluated: 2025-08-03. Review status: criteria provided, single submitter. Criteria: Invitae Variant Classification Sherloc (09022015). Collection method: clinical testing. Allele origin: germline.
Comment: This sequence change replaces valine, which is neutral and non-polar, with methionine, which is neutral and non-polar, at codon 64 of the KBTBD13 protein (p.Val64Met). This variant is not present in population databases (gnomAD no frequency). This variant has not been reported in the literature in individuals affected with KBTBD13-related conditions. Invitae Evidence Modeling of protein sequence and biophysical properties (such as structural, functional, and spatial information, amino acid conservation, physicochemical variation, residue mobility, and thermodynamic stability) indicates that this missense variant is expected to disrupt KBTBD13 protein function with a positive predictive value of 80%. In summary, the available evidence is currently insufficient to determine the role of this variant in disease. Therefore, it has been classified as a Variant of Uncertain Significance.

NM_001101362.3(KBTBD13):c.190G>A (p.Val64Met)

Gene: KBTBD13 (kelch repeat and BTB domain containing 13; plus strand). Cytogenetic location: 15q22.31.
Variant type: single nucleotide variant.
Coding change: c.190G>A on transcript NM_001101362.3 (MANE Select); coding-DNA position 190, G replaced by A.
Protein change: p.Val64Met; replaces valine 64 with methionine.
Molecular consequence: missense variant.
Genome position (GRCh38, 1-based): chr15:65,077,005, G>A. VCF-style: chr15-65077005-G-A. GRCh37 (hg19) VCF-style: chr15-65369343-G-A.
Other names: short protein forms V64M.
Identifiers: ClinVar variation 4773135 (VCV004773135.1).